The following is an entry in ClinVar:

NM_001037333.3(CYFIP2):c.2435G>A (p.Cys812Tyr)

Gene: CYFIP2 (cytoplasmic FMR1 interacting protein 2; plus strand). Cytogenetic location: 5q33.3.
Variant type: single nucleotide variant.
Coding change: c.2435G>A on transcript NM_001037333.3 (MANE Select); coding-DNA position 2435, G replaced by A.
Protein change: p.Cys812Tyr; replaces cysteine 812 with tyrosine.
Molecular consequence: missense variant.
Genome position (GRCh38, 1-based): chr5:157,339,106, G>A. VCF-style: chr5-157339106-G-A. GRCh37 (hg19) VCF-style: chr5-156766114-G-A.
Other names: c.2357G>A, p.Cys786Tyr (NM_001291721.2); c.2510G>A, p.Cys837Tyr (NM_001291722.2); c.2435G>A, p.Cys812Tyr (NM_014376.4); short protein forms C812Y, C837Y, C786Y.
Identifiers: ClinVar variation 4777813 (VCV004777813.1).

ClinVar aggregate classification (germline): Uncertain significance (1 of 4 stars; one submission).

gnomAD v4.1: 1 of 1,613,896 alleles (0.000062%); highest among the groups gnomAD compares: Non-Finnish European, 0.000085%; no homozygotes.

Submission:

Labcorp Genetics (formerly Invitae), Labcorp
Classification: Uncertain significance. Last evaluated: 2025-02-18. Review status: criteria provided, single submitter. Criteria: Invitae Variant Classification Sherloc (09022015). Collection method: clinical testing. Allele origin: germline.
Comment: This sequence change replaces cysteine, which is neutral and slightly polar, with tyrosine, which is neutral and polar, at codon 812 of the CYFIP2 protein (p.Cys812Tyr). This variant is present in population databases (no rsID available, gnomAD 0.0009%). This variant has not been reported in the literature in individuals affected with CYFIP2-related conditions. Experimental studies and prediction algorithms are not available or were not evaluated, and the functional significance of this variant is currently unknown. In summary, the available evidence is currently insufficient to determine the role of this variant in disease. Therefore, it has been classified as a Variant of Uncertain Significance.